The following is an entry in ClinVar:

NM_002519.3(NPAT):c.3973G>A (p.Glu1325Lys)

Gene: NPAT (nuclear protein, coactivator of histone transcription; minus strand). Cytogenetic location: 11q22.3.
Variant type: single nucleotide variant.
Coding change: c.3973G>A on transcript NM_002519.3 (MANE Select); coding-DNA position 3973, G replaced by A.
Protein change: p.Glu1325Lys; replaces glutamic acid 1325 with lysine.
Molecular consequence: missense variant.
Genome position (GRCh38, 1-based): chr11:108,161,113, C>T on the plus strand (G>A on the coding strand, the complement: NPAT is on the minus strand). VCF-style: chr11-108161113-C-T. GRCh37 (hg19) VCF-style: chr11-108031840-C-T.
Other names: c.3994G>A, p.Glu1332Lys (NM_001321307.1); short protein forms E1325K, E1332K.
Identifiers: ClinVar variation 2447448 (VCV002447448.2), dbSNP rs1360533705, ClinGen allele CA382509643.

ClinVar aggregate classification (germline): Uncertain significance (1 of 4 stars; one submission).

Allele frequency attached by ClinVar (database versions not stated): TOPMed 0.00002.

Submission:

Ambry Genetics
Classification: Uncertain significance. Last evaluated: 2023-02-17. Review status: criteria provided, single submitter. Criteria: Ambry Variant Classification Scheme 2023. Collection method: clinical testing. Allele origin: germline.
Comment: The p.E1325K variant (also known as c.3973G>A), located in coding exon 17 of the NPAT gene, results from a G to A substitution at nucleotide position 3973. The glutamic acid at codon 1325 is replaced by lysine, an amino acid with similar properties. This amino acid position is conserved. In addition, the in silico prediction for this alteration is inconclusive. Since supporting evidence is limited at this time, the clinical significance of this alteration remains unclear.